The following is an entry in ClinVar:

NM_182758.4(WDR72):c.1570-11dup

Gene: WDR72 (WD repeat domain 72; minus strand). Cytogenetic location: 15q21.3.
Variant type: Duplication.
Coding change: c.1570-11dup on transcript NM_182758.4 (MANE Select); 11 bases into the intron before coding-DNA position 1570, one base duplicated (T; older notation c.1570-11dupT).
Molecular consequence: intron variant.
Genome position (GRCh38, 1-based): chr15:53,699,951, A duplicated on the plus strand (T on the coding strand, the reverse complement: WDR72 is on the minus strand); the first of 6 consecutive A bases (chr15:53,699,951-53,699,956); duplicating any one gives the same sequence. VCF-style (leftmost placement, unchanged base first): chr15-53699950-G-GA. GRCh37 (hg19) VCF-style: chr15-53992147-G-GA.
Other names: p.?; c.1570-6dup (NM_182758.4).
Identifiers: ClinVar variation 376835 (VCV000376835.4), dbSNP rs34118367, ClinGen allele CA7571087.

ClinVar aggregate classification (germline): Benign/Likely benign. Review status: criteria provided, multiple submitters, no conflicts (2 of 4 stars). 2 submissions from 2 submitters: Benign (1); Likely benign (1). Last evaluated 2025-01-23.

Submissions (2):

Mayo Clinic Laboratories, Mayo Clinic
Classification: Benign. Last evaluated: 2025-01-23. Review status: criteria provided, single submitter. Criteria: ACMG Guidelines, 2015. Collection method: clinical testing. Allele origin: germline. Observed: 1 variant allele.
Comment: BS1, BS2, BP4

Center for Pediatric Genomic Medicine, Children's Mercy Hospital and Clinics
Classification: Likely benign. Last evaluated: 2016-12-06. Review status: criteria provided, single submitter. Criteria: ACMG Guidelines, 2015. Collection method: clinical testing. Allele origin: germline.
ClinVar note: Converted during submission from Likely Benign to Likely benign.